The following is an entry in ClinVar:

ClinVar aggregate classification (germline): Uncertain significance (1 of 4 stars; one submission).

Conditions:
Cardiovascular phenotype. Identifiers: MedGen CN230736.

Allele frequency attached by ClinVar (database versions not stated): ExAC 0.00098.

Submission:

Ambry Genetics
Classification: Uncertain significance for Cardiovascular phenotype. Last evaluated: 2021-02-15. Review status: criteria provided, single submitter. Criteria: Ambry Variant Classification Scheme 2023. Collection method: clinical testing. Allele origin: germline.
Comment: The p.T220P variant (also known as c.658A>C), located in coding exon 1 of the FKRP gene, results from an A to C substitution at nucleotide position 658. The threonine at codon 220 is replaced by proline, an amino acid with highly similar properties. This amino acid position is not well conserved in available vertebrate species, and proline is the reference amino acid in other vertebrate species. In addition, the in silico prediction for this alteration is inconclusive. Since supporting evidence is limited at this time, the clinical significance of this alteration remains unclear.

NM_024301.5(FKRP):c.658A>C (p.Thr220Pro)

Gene: FKRP (fukutin related protein; plus strand). Cytogenetic location: 19q13.32.
Variant type: single nucleotide variant.
Coding change: c.658A>C on transcript NM_024301.5 (MANE Select); coding-DNA position 658, A replaced by C.
Protein change: p.Thr220Pro; replaces threonine 220 with proline.
Molecular consequence: missense variant.
Genome position (GRCh38, 1-based): chr19:46,756,108, A>C. VCF-style: chr19-46756108-A-C. GRCh37 (hg19) VCF-style: chr19-47259365-A-C.
Other names: c.658A>C, p.Thr220Pro (NM_001039885.3); short protein forms T220P.
Identifiers: ClinVar variation 1754337 (VCV001754337.2), dbSNP rs201648309, ClinGen allele CA9532188.